The following is an entry in ClinVar:

NM_206933.4(USH2A):c.1255T>C (p.Cys419Arg)

Gene: USH2A (usherin; minus strand). Cytogenetic location: 1q41.
Variant type: single nucleotide variant.
Coding change: c.1255T>C on transcript NM_206933.4 (MANE Select); coding-DNA position 1255, T replaced by C.
Protein change: p.Cys419Arg; replaces cysteine 419 with arginine.
Molecular consequence: missense variant.
Genome position (GRCh38, 1-based): chr1:216,324,241, A>G on the plus strand (T>C on the coding strand, the complement: USH2A is on the minus strand). VCF-style: chr1-216324241-A-G. GRCh37 (hg19) VCF-style: chr1-216497583-A-G.
Other names: c.1255T>C, p.Cys419Arg (NM_007123.6); short protein forms C419R.
Identifiers: ClinVar variation 1913735 (VCV001913735.5), dbSNP rs758476981, ClinGen allele CA1396564.

ClinVar aggregate classification (germline): Likely pathogenic (1 of 4 stars; one submission).

Allele frequency attached by ClinVar (database versions not stated): gnomAD exomes below 0.00001; ExAC 0.00001.
gnomAD v4.1: 1 of 1,613,444 alleles (0.000062%); highest among the groups gnomAD compares: Non-Finnish European, 0.000085%; no homozygotes.

Submission:

Labcorp Genetics (formerly Invitae), Labcorp
Classification: Likely pathogenic. Last evaluated: 2023-07-16. Review status: criteria provided, single submitter. Criteria: Invitae Variant Classification Sherloc (09022015). Collection method: clinical testing. Allele origin: germline.
Comment: In summary, the currently available evidence indicates that the variant is pathogenic, but additional data are needed to prove that conclusively. Therefore, this variant has been classified as Likely Pathogenic. This variant disrupts the p.Cys419 amino acid residue in USH2A. Other variant(s) that disrupt this residue have been determined to be pathogenic (PMID: 10729113, 15043528, 15241801, 24265693, 28559085). This suggests that this residue is clinically significant, and that variants that disrupt this residue are likely to be disease-causing. Advanced modeling of protein sequence and biophysical properties (such as structural, functional, and spatial information, amino acid conservation, physicochemical variation, residue mobility, and thermodynamic stability) performed at Invitae indicates that this missense variant is expected to disrupt USH2A protein function. ClinVar contains an entry for this variant (Variation ID: 1913735). This variant has not been reported in the literature in individuals affected with USH2A-related conditions. This variant is present in population databases (rs758476981, gnomAD 0.0009%). This sequence change replaces cysteine, which is neutral and slightly polar, with arginine, which is basic and polar, at codon 419 of the USH2A protein (p.Cys419Arg).

Literature cited by the submitters: PubMed 10729113; PubMed 15043528; PubMed 15241801; PubMed 24265693; PubMed 28559085.